The following is an entry in ClinVar:

NM_001848.3(COL6A1):c.1671C>G (p.Asp557Glu)

Gene: COL6A1 (collagen type VI alpha 1 chain; plus strand). Cytogenetic location: 21q22.3.
Variant type: single nucleotide variant.
Coding change: c.1671C>G on transcript NM_001848.3 (MANE Select); coding-DNA position 1671, C replaced by G.
Protein change: p.Asp557Glu; replaces aspartic acid 557 with glutamic acid.
Molecular consequence: missense variant.
Genome position (GRCh38, 1-based): chr21:45,998,956, C>G. VCF-style: chr21-45998956-C-G. GRCh37 (hg19) VCF-style: chr21-47418870-C-G.
Other names: short protein forms D557E.
Identifiers: ClinVar variation 2770308 (VCV002770308.3), dbSNP rs770099663, ClinGen allele CA410530648.
Genomic context (GRCh38, chr21:45,998,956, plus strand): 5'-GGGCACGAAGGGCTACCCCGGCCTCAAGGGGGACGAGGGAGAAGCCGGGGACCCCGGAGA[C>G]GATGTAAGTGTGGATGGGAGGCAGGGCCAGCCCCAAGTCCACCTGAGCCAGAGGGCTGGG-3'
Protein context (NP_001839.2, residues 547-567): GDEGEAGDPG[Asp557Glu]DNNDIAPRGV

ClinVar aggregate classification (germline): Uncertain significance (1 of 4 stars; one submission).

Conditions:
Bethlem myopathy 1A. Also called: Bethlem myopathy 1; Bethlem Muscular Dystrophy; MYOPATHY, BENIGN CONGENITAL, WITH CONTRACTURES. Identifiers: Orphanet 610, MedGen CN029274, MONDO:0024530, OMIM 158810.

gnomAD v4.1: 20 of 1,553,290 alleles (0.0013%); highest among the groups gnomAD compares: Non-Finnish European, 0.0017%; no homozygotes.

Submission:

Labcorp Genetics (formerly Invitae), Labcorp
Classification: Uncertain significance for Bethlem myopathy 1A. Last evaluated: 2023-03-09. Review status: criteria provided, single submitter. Criteria: Invitae Variant Classification Sherloc (09022015). Collection method: clinical testing. Allele origin: germline.
Comment: This variant is not present in population databases (gnomAD no frequency). This sequence change replaces aspartic acid, which is acidic and polar, with glutamic acid, which is acidic and polar, at codon 557 of the COL6A1 protein (p.Asp557Glu). This variant has not been reported in the literature in individuals affected with COL6A1-related conditions. In summary, the available evidence is currently insufficient to determine the role of this variant in disease. Therefore, it has been classified as a Variant of Uncertain Significance. Advanced modeling of protein sequence and biophysical properties (such as structural, functional, and spatial information, amino acid conservation, physicochemical variation, residue mobility, and thermodynamic stability) performed at Invitae indicates that this missense variant is not expected to disrupt COL6A1 protein function.